The following is an entry in ClinVar:

ClinVar aggregate classification (germline): Benign. Review status: criteria provided, multiple submitters, no conflicts (2 of 4 stars). 5 submissions from 5 submitters: Benign (5). Last evaluated 2026-01-26.

Conditions:
Granulomatous disease, chronic, autosomal recessive, cytochrome b-negative. Also called: CGD DUE TO DEFICIENCY OF THE ALPHA SUBUNIT OF CYTOCHROME b; CGD, AUTOSOMAL RECESSIVE CYTOCHROME b-NEGATIVE; CYBA DEFICIENCY; GRANULOMATOUS DISEASE, CHRONIC, AUTOSOMAL RECESSIVE, 4; Chronic granulomatous disease, autosomal, due to deficiency of CYBA. Identifiers: Orphanet 379, MedGen C1856255, MONDO:0009308, OMIM 233690.

Allele frequency attached by ClinVar (database versions not stated): 1000 Genomes Project 30x 0.45831; 1000 Genomes Project 0.46925; gnomAD 0.47867 and 0.48088; TOPMed 0.48024; gnomAD exomes 0.49198; ExAC 0.56006.
gnomAD v4.1: 733,060 of 1,467,476 alleles (50%); highest among the groups gnomAD compares: Middle Eastern, 56%; 184,305 homozygotes.

Submissions (5):

Labcorp Genetics (formerly Invitae), Labcorp
Classification: Benign for Granulomatous disease, chronic, autosomal recessive, cytochrome b-negative. Last evaluated: 2026-01-26. Review status: criteria provided, single submitter. Criteria: Invitae Variant Classification Sherloc (09022015). Collection method: clinical testing. Allele origin: germline.

Unidad de Genómica Garrahan, Hospital de Pediatría Garrahan
Classification: Benign. Last evaluated: 2024-01-24. Review status: criteria provided, single submitter. Criteria: ACMG Guidelines, 2015. Collection method: clinical testing. Allele origin: germline. Affected: no. Observed: 75 variant alleles.
Comment: This variant is classified as Benign based on local population frequency. This variant was detected in 79% of patients studied by a panel of primary immunodeficiencies. Number of patients: 75. Only high quality variants are reported.

Genome-Nilou Lab
Classification: Benign for Granulomatous disease, chronic, autosomal recessive, cytochrome b-negative. Last evaluated: 2021-06-10. Review status: criteria provided, single submitter. Criteria: ACMG Guidelines, 2015. Collection method: clinical testing. Allele origin: germline. Affected: no.

GeneDx
Classification: Benign. Last evaluated: 2015-03-03. Review status: criteria provided, single submitter. Criteria: GeneDx Variant Classification Process June 2021. Collection method: clinical testing. Allele origin: germline. Affected: yes.
Comment: This variant is associated with the following publications: (PMID: 29132304, 24392120, 10488959, 17684477, 19203534, 19388116, 18324526, 20215507)

Breakthrough Genomics
Classification: Benign. Review status: criteria provided, single submitter. Criteria: ACMG Guidelines, 2015. Collection method: not provided. Allele origin: germline. Inheritance: Autosomal recessive inheritance. Affected: yes.

NM_000101.4(CYBA):c.*24G>A

Gene: CYBA (cytochrome b-245 alpha chain; minus strand). Cytogenetic location: 16q24.2.
Variant type: single nucleotide variant.
Coding change: c.*24G>A on transcript NM_000101.4 (MANE Select); 24 bases downstream of the stop codon, G replaced by A.
Molecular consequence: 3 prime UTR variant.
Genome position (GRCh38, 1-based): chr16:88,643,329, C>T on the plus strand (G>A on the coding strand, the complement: CYBA is on the minus strand). VCF-style: chr16-88643329-C-T. GRCh37 (hg19) VCF-style: chr16-88709737-C-T.
Identifiers: ClinVar variation 1166946 (VCV001166946.16), dbSNP rs1049255, ClinGen allele CA8228157.